The following is an entry in ClinVar:

ClinVar aggregate classification (germline): Uncertain significance (0 of 4 stars; one submission).

Conditions:
Retinitis pigmentosa 3. Also called: CHOROIDORETINAL DEGENERATION WITH RETINAL REFLEX IN HETEROZYGOUS WOMEN. Identifiers: Orphanet 791, MedGen C1845667, MONDO:0010227, OMIM 300029.

Submission:

Department of Medical Genetics, Unidade Local de Saúde de Coimbra
Classification: Uncertain significance for Retinitis pigmentosa 3. Review status: no assertion criteria provided. Collection method: clinical testing. Allele origin: unknown. Inheritance: X-linked inheritance. Affected: yes. Observed: 1 variant allele, 1 hemizygote.
Comment: The c.169T>G variant in RPGR was identified in a Portuguese family affected by X‑linked retinitis pigmentosa (XLRP) and was not detected in large population databases.

Literature cited by the submitters: PubMed 42521440.

NM_001034853.2(RPGR):c.169T>G (p.Tyr57Asp)

Gene: RPGR (retinitis pigmentosa GTPase regulator; minus strand). Cytogenetic location: Xp11.4.
Variant type: single nucleotide variant.
Coding change: c.169T>G on transcript NM_001034853.2 (MANE Select); coding-DNA position 169, T replaced by G.
Protein change: p.Tyr57Asp; replaces tyrosine 57 with aspartic acid.
Molecular consequence: missense variant. On other transcripts: non-coding transcript variant (6).
Genome position (GRCh38, 1-based): chrX:38,322,931, A>C on the plus strand (T>G on the coding strand, the complement: RPGR is on the minus strand). VCF-style: chrX-38322931-A-C. GRCh37 (hg19) VCF-style: chrX-38182184-A-C.
Other names: c.169T>G, p.Tyr57Asp (NM_000328.3, NM_001367245.1, NM_001367246.1 and 4 more transcripts); c.199T>G, p.Tyr67Asp (NM_001367248.1); short protein forms Y57D, Y67D.
Identifiers: ClinVar variation 4856790 (VCV004856790.1).